The following is an entry in ClinVar:

NM_018249.6(CDK5RAP2):c.2863C>T (p.Pro955Ser)

Gene: CDK5RAP2 (CDK5 regulatory subunit associated protein 2; minus strand). Cytogenetic location: 9q33.2.
Variant type: single nucleotide variant.
Coding change: c.2863C>T on transcript NM_018249.6 (MANE Select); coding-DNA position 2863, C replaced by T.
Protein change: p.Pro955Ser; replaces proline 955 with serine.
Molecular consequence: missense variant. On other transcripts: non-coding transcript variant (5).
Genome position (GRCh38, 1-based): chr9:120,448,057, G>A on the plus strand (C>T on the coding strand, the complement: CDK5RAP2 is on the minus strand). VCF-style: chr9-120448057-G-A. GRCh37 (hg19) VCF-style: chr9-123210335-G-A.
Other names: c.2863C>T, p.Pro955Ser (NM_001011649.3); c.2173C>T, p.Pro725Ser (NM_001272039.2); c.2764C>T, p.Pro922Ser (NM_001410992.1); c.2767C>T, p.Pro923Ser (NM_001410993.1); c.2860C>T, p.Pro954Ser (NM_001410994.1); short protein forms P725S, P922S, P923S, P954S, P955S.
Identifiers: ClinVar variation 3768040 (VCV003768040.1).

ClinVar aggregate classification (germline): Uncertain significance (1 of 4 stars; one submission).

gnomAD v4.1: 12 of 1,613,940 alleles (0.00074%); highest among the groups gnomAD compares: African/African-American, 0.004%; no homozygotes.

Submission:

Women's Health and Genetics/Laboratory Corporation of America, LabCorp
Classification: Uncertain significance. Last evaluated: 2024-12-16. Review status: criteria provided, single submitter. Criteria: LabCorp Variant Classification Summary - May 2015. Collection method: clinical testing. Allele origin: germline.
Comment: Variant summary: CDK5RAP2 c.2863C>T (p.Pro955Ser) results in a non-conservative amino acid change in the encoded protein sequence. Four of five in-silico tools predict a benign effect of the variant on protein function. The variant allele was found at a frequency of 7.5e-06 in 1606948 control chromosomes in the gnomAD database (v4.1 dataset). This frequency is not higher than the maximum estimated for a pathogenic variant in CDK5RAP2 causing Primary Autosomal Recessive Microcephaly 3, allowing no conclusion about variant significance. To our knowledge, no occurrence of c.2863C>T in individuals affected with Primary Autosomal Recessive Microcephaly 3 and no experimental evidence demonstrating its impact on protein function have been reported. No submitters have cited clinical-significance assessments for this variant to ClinVar. Based on the evidence outlined above, the variant was classified as uncertain significance.